The following is an entry in ClinVar:

NM_003480.4(MFAP5):c.59-4A>T

Gene: MFAP5 (microfibril associated protein 5; minus strand). Cytogenetic location: 12p13.31.
Variant type: single nucleotide variant.
Coding change: c.59-4A>T on transcript NM_003480.4 (MANE Select); 4 bases into the intron before coding-DNA position 59, A replaced by T.
Molecular consequence: intron variant.
Genome position (GRCh38, 1-based): chr12:8,660,902, T>A on the plus strand (A>T on the coding strand, the complement: MFAP5 is on the minus strand). VCF-style: chr12-8660902-T-A. GRCh37 (hg19) VCF-style: chr12-8813498-T-A.
Other names: p.?; c.58+1145A>T (NM_001297710.2); c.59-4A>T (NM_001297711.2, NM_001297712.2, NM_001297709.2).
Identifiers: ClinVar variation 381192 (VCV000381192.15), dbSNP rs12833793, ClinGen allele CA6434778.

ClinVar aggregate classification (germline): Benign/Likely benign. Review status: criteria provided, multiple submitters, no conflicts (2 of 4 stars). 7 submissions from 7 submitters: Benign (6); Likely benign (1). Last evaluated 2026-02-04.

Conditions:
Cardiovascular phenotype. Identifiers: MedGen CN230736.

Allele frequency attached by ClinVar (database versions not stated): 1000 Genomes Project 0.04153; 1000 Genomes Project 30x 0.04154; TOPMed 0.05863; ESP Exome Variant Server 0.06336; gnomAD exomes 0.06748 and 0.07406; gnomAD 0.06774 and 0.06923; ExAC 0.06780.

Submissions (13):

Labcorp Genetics (formerly Invitae), Labcorp
Classification: Benign. Last evaluated: 2026-02-04. Review status: criteria provided, single submitter. Criteria: Invitae Variant Classification Sherloc (09022015). Collection method: clinical testing. Allele origin: germline.

Blueprint Genetics
Classification: Likely benign. Last evaluated: 2024-11-27. Review status: criteria provided, single submitter. Criteria: ACMG Guidelines, 2015. Collection method: clinical testing. Allele origin: germline.

Women's Health and Genetics/Laboratory Corporation of America, LabCorp
Classification: Benign. Last evaluated: 2023-07-21. Review status: criteria provided, single submitter. Criteria: LabCorp Variant Classification Summary - May 2015. Collection method: clinical testing. Allele origin: germline.

Ambry Genetics
Classification: Benign for Cardiovascular phenotype. Last evaluated: 2018-12-21. Review status: criteria provided, single submitter. Criteria: Ambry Variant Classification Scheme 2023. Collection method: clinical testing. Allele origin: germline.

Mayo Clinic Laboratories, Mayo Clinic
Classification: Benign. Last evaluated: 2017-11-14. Review status: criteria provided, single submitter. Criteria: ACMG Guidelines, 2015. Collection method: clinical testing. Allele origin: germline. Observed: 193 variant alleles.

GeneDx
Classification: Benign. Last evaluated: 2016-10-03. Review status: criteria provided, single submitter. Criteria: GeneDx Variant Classification (06012015). Collection method: clinical testing. Allele origin: germline. Affected: yes.
Comment: This variant is considered likely benign or benign based on one or more of the following criteria: it is a conservative change, it occurs at a poorly conserved position in the protein, it is predicted to be benign by multiple in silico algorithms, and/or has population frequency not consistent with disease.

Breakthrough Genomics
Classification: Benign. Review status: criteria provided, single submitter. Criteria: ACMG Guidelines, 2015. Collection method: not provided. Allele origin: germline. Inheritance: Autosomal dominant inheritance. Affected: yes.

Dr. Peter K. Rogan Lab, Western University
No classification provided (evidence only). Condition: Malignant lymphoma, large B-cell, diffuse. Review status: no classification provided. Collection method: in vitro. Allele origin: not applicable. Functional consequence: retained intron. Not counted in ClinVar's aggregate classification.

Dr. Peter K. Rogan Lab, Western University
No classification provided (evidence only). Condition: Nonpapillary renal cell carcinoma. Review status: no classification provided. Collection method: in vitro. Allele origin: not applicable. Functional consequence: retained intron. Not counted in ClinVar's aggregate classification.

Dr. Peter K. Rogan Lab, Western University
No classification provided (evidence only). Condition: Nonpapillary renal cell carcinoma. Review status: no classification provided. Collection method: in vitro. Allele origin: not applicable. Functional consequence: retained intron. Not counted in ClinVar's aggregate classification.

Dr. Peter K. Rogan Lab, Western University
No classification provided (evidence only). Condition: Thymoma. Review status: no classification provided. Collection method: in vitro. Allele origin: not applicable. Functional consequence: retained intron. Not counted in ClinVar's aggregate classification.

Dr. Peter K. Rogan Lab, Western University
No classification provided (evidence only). Condition: Thymoma. Review status: no classification provided. Collection method: in vitro. Allele origin: not applicable. Functional consequence: skipped exon, retained intron. Not counted in ClinVar's aggregate classification.

Dr. Peter K. Rogan Lab, Western University
No classification provided (evidence only). Condition: Cholangiocarcinoma. Review status: no classification provided. Collection method: in vitro. Allele origin: not applicable. Functional consequence: skipped exon. Not counted in ClinVar's aggregate classification.